The following is an entry in ClinVar:

NM_004006.3(DMD):c.5711C>G (p.Pro1904Arg)

Gene: DMD (dystrophin; minus strand). Cytogenetic location: Xp21.1.
Variant type: single nucleotide variant.
Coding change: c.5711C>G on transcript NM_004006.3 (MANE Select); coding-DNA position 5711, C replaced by G.
Protein change: p.Pro1904Arg; replaces proline 1904 with arginine.
Molecular consequence: missense variant.
Genome position (GRCh38, 1-based): chrX:32,343,162, G>C on the plus strand (C>G on the coding strand, the complement: DMD is on the minus strand). VCF-style: chrX-32343162-G-C. GRCh37 (hg19) VCF-style: chrX-32361279-G-C.
Other names: c.5687C>G, p.Pro1896Arg (NM_000109.4); c.5699C>G, p.Pro1900Arg (NM_004009.3); c.5342C>G, p.Pro1781Arg (NM_004010.3); c.1688C>G, p.Pro563Arg (NM_004011.4); c.1679C>G, p.Pro560Arg (NM_004012.4); short protein forms P1900R, P563R, P1896R, P560R, P1781R, P1904R.
Identifiers: ClinVar variation 1983330 (VCV001983330.4), dbSNP rs2521860591, ClinGen allele CA412665683.
Genomic context (GRCh38, chrX:32,343,162, plus strand): 5'-AATCTGGTATTGACATTCTAAAACAACATTACCTTTATTTTCCTTTCATCTCTGGGCTCA[G>C]GTAGGCTGGCTAATTTTTTTTCAATGTCATCCAAGCATTTCAGGAGATCATCAGCCTGCC-3'
Protein context (NP_003997.2, residues 1894-1914): DDIEKKLASL[Pro1904Arg]EPRDERKIKE

ClinVar aggregate classification (germline): Uncertain significance (1 of 4 stars; one submission).

Conditions:
Duchenne muscular dystrophy (DMD). Also called: MUSCULAR DYSTROPHY, PSEUDOHYPERTROPHIC PROGRESSIVE, DUCHENNE TYPE; Duchenne Muscular Dystrophy (DMD). Identifiers: Orphanet 98896, MedGen C0013264, MONDO:0010679, OMIM 310200.

Allele frequency attached by ClinVar (database versions not stated): gnomAD exomes below 0.00001.
gnomAD v4.1: 1 of 1,210,709 alleles (0.000083%); highest among the groups gnomAD compares: Non-Finnish European, 0.00011%; no homozygotes.

Submission:

Labcorp Genetics (formerly Invitae), Labcorp
Classification: Uncertain significance for Duchenne muscular dystrophy. Last evaluated: 2021-12-22. Review status: criteria provided, single submitter. Criteria: Invitae Variant Classification Sherloc (09022015). Collection method: clinical testing. Allele origin: germline.
Comment: Algorithms developed to predict the effect of sequence changes on RNA splicing suggest that this variant may create or strengthen a splice site. In summary, the available evidence is currently insufficient to determine the role of this variant in disease. Therefore, it has been classified as a Variant of Uncertain Significance. This sequence change replaces proline, which is neutral and non-polar, with arginine, which is basic and polar, at codon 1904 of the DMD protein (p.Pro1904Arg). This variant is not present in population databases (gnomAD no frequency). This variant has not been reported in the literature in individuals affected with DMD-related conditions. Algorithms developed to predict the effect of missense changes on protein structure and function are either unavailable or do not agree on the potential impact of this missense change (SIFT: "Deleterious"; PolyPhen-2: "Possibly Damaging"; Align-GVGD: "Class C0").